The following is an entry in ClinVar:

NR_003051.3(RMRP):n.-13_-12insCACTCTGTGA

Gene: RMRP (RNA component of mitochondrial RNA processing endoribonuclease; minus strand). Cytogenetic location: 9p13.3.
Variant type: Insertion.
Genome position: GRCh38 VCF-style: chr9-35658030-T-TTCACAGAGTG. GRCh37 (hg19) VCF-style: chr9-35658027-T-TTCACAGAGTG.
Identifiers: ClinVar variation 4817175 (VCV004817175.1).

ClinVar aggregate classification (germline): Likely pathogenic (1 of 4 stars; one submission).

Conditions:
Metaphyseal chondrodysplasia, McKusick type (CHH). Also called: Cartilage-hair hypoplasia; Cartilage-Hair Hypoplasia (CHH). Identifiers: Orphanet 175, MedGen C0220748, MONDO:0009595, OMIM 250250.

Submission:

Natera, Inc.
Classification: Likely pathogenic for Cartilage-hair hypoplasia. Last evaluated: 2025-11-07. Review status: criteria provided, single submitter. Criteria: Natera Variant Classification Schema (03/2026). Collection method: clinical testing. Allele origin: germline.
Comment: The n.-13_-12insCACTCTGTGA variant in RMRP is an insertion affecting the RMRP promoter region between the TATA box and the transcription initiation site. Other duplications and insertions just upstream of the transcription initiation site have been reported in individuals affected with cartilage-hair hypoplasia (PMID: 11207361, 17937437). This variant is rare in the general population with a frequency below the threshold expected for the associated phenotype(s). Given the available evidence, this variant is classified as Likely pathogenic.

Literature cited by the submitters: PubMed 11207361; PubMed 17937437.